The following is an entry in ClinVar:

ClinVar aggregate classification (germline): Uncertain significance (1 of 4 stars; one submission).

gnomAD v4.1: 3 of 1,613,350 alleles (0.00019%); highest among the groups gnomAD compares: Non-Finnish European, 0.00025%; no homozygotes.

Submission:

Labcorp Genetics (formerly Invitae), Labcorp
Classification: Uncertain significance. Last evaluated: 2026-01-18. Review status: criteria provided, single submitter. Criteria: Invitae Variant Classification Sherloc (09022015). Collection method: clinical testing. Allele origin: germline.
Comment: This sequence change replaces glycine, which is neutral and non-polar, with aspartic acid, which is acidic and polar, at codon 189 of the GCKR protein (p.Gly189Asp). This variant is not present in population databases (gnomAD no frequency). This variant has not been reported in the literature in individuals affected with GCKR-related conditions. Invitae Evidence Modeling of protein sequence and biophysical properties (such as structural, functional, and spatial information, amino acid conservation, physicochemical variation, residue mobility, and thermodynamic stability) indicates that this missense variant is expected to disrupt GCKR protein function with a positive predictive value of 80%. In summary, the available evidence is currently insufficient to determine the role of this variant in disease. Therefore, it has been classified as a Variant of Uncertain Significance.

NM_001486.4(GCKR):c.566G>A (p.Gly189Asp)

Gene: GCKR (glucokinase regulator; plus strand). Cytogenetic location: 2p23.3.
Variant type: single nucleotide variant.
Coding change: c.566G>A on transcript NM_001486.4 (MANE Select); coding-DNA position 566, G replaced by A.
Protein change: p.Gly189Asp; replaces glycine 189 with aspartic acid.
Molecular consequence: missense variant.
Genome position (GRCh38, 1-based): chr2:27,501,151, G>A. VCF-style: chr2-27501151-G-A. GRCh37 (hg19) VCF-style: chr2-27724018-G-A.
Other names: short protein forms G189D.
Identifiers: ClinVar variation 4702413 (VCV004702413.1).